The following is an entry in ClinVar:

NM_006231.4(POLE):c.5424_5429del (p.Gln1808_Tyr1809del)

Gene: POLE (DNA polymerase epsilon, catalytic subunit; minus strand). Cytogenetic location: 12q24.33.
Variant type: Deletion.
Coding change: c.5424_5429del on transcript NM_006231.4 (MANE Select); coding-DNA positions 5424 to 5429, 6 bases deleted (GTACCA; older notation c.5424_5429delGTACCA).
Protein change: p.Gln1808_Tyr1809del.
Molecular consequence: inframe deletion.
Genome position (GRCh38, 1-based): chr12:132,639,248-132,639,253, TGGTAC deleted on the plus strand (GTACCA on the coding strand, the reverse complement: POLE is on the minus strand); deleting any 6 consecutive bases within chr12:132,639,248-132,639,256 gives the same sequence; the c. name uses the placement nearest the transcript's 3' end. VCF-style (leftmost placement, unchanged base first): chr12-132639247-GTGGTAC-G. GRCh37 (hg19) VCF-style: chr12-133215833-GTGGTAC-G.
Identifiers: ClinVar variation 4862343 (VCV004862343.1).

ClinVar aggregate classification (germline): Uncertain significance (1 of 4 stars; one submission).

Conditions:
Hereditary cancer-predisposing syndrome. Also called: Neoplastic Syndromes, Hereditary; Tumor predisposition; Hereditary Cancer Syndrome; Hereditary neoplastic syndrome. Identifiers: Orphanet 140162, MedGen C0027672, MeSH D009386, MONDO:0015356.

Submission:

Ambry Genetics
Classification: Uncertain significance for Hereditary cancer-predisposing syndrome. Last evaluated: 2026-06-08. Review status: criteria provided, single submitter. Criteria: Ambry Variant Classification Scheme 2023. Collection method: clinical testing. Allele origin: germline.
Comment: The c.5424_5429delGTACCA variant (also known as p.Q1808_Y1809del) is located in coding exon 40 of the POLE gene. This variant results from an in-frame GTACCA deletion at nucleotide positions 5424 to 5429. This results in the in-frame deletion of two amino acids at codons 1808 and 1809. This amino acid region is well conserved in available vertebrate species. Based on the available evidence, the clinical significance of this variant remains unclear.